The following is an entry in ClinVar:

ClinVar aggregate classification (germline): Pathogenic (1 of 4 stars; one submission).

Conditions:
Progressive myoclonic epilepsy. Also called: Familial progressive myoclonic epilepsy; Myoclonus epilepsy; Progressive myoclonus epilepsy; Myoclonic Epilepsies, Progressive. Identifiers: Orphanet 308, Orphanet 98261, MedGen C0751778, MONDO:0020074.

Submission:

Labcorp Genetics (formerly Invitae), Labcorp
Classification: Pathogenic for Progressive myoclonic epilepsy. Last evaluated: 2019-09-09. Review status: criteria provided, single submitter. Criteria: Invitae Variant Classification Sherloc (09022015). Collection method: clinical testing. Allele origin: germline.
Comment: This variant is a gross deletion of the genomic region encompassing exons 3-4 of the EPM2A gene. The 5' boundary is likely confined to intron 2. The 3' end of this event is unknown as it extends through the termination codon beyond the assayed region for this gene and may encompass additional genes. While this deletion is not anticipated to result in nonsense mediated decay, it is expected to create a truncated protein product or disrupt mRNA translation. This variant has been observed in combination with another EPM2A variant in an individual suspected of having Lafora disease (PMID: 20738377). Sub-genic deletion of exon 3 has been determined to be pathogenic (PMID: 18311786). Therefore, deletions that fully encompass that region are also expected to be pathogenic. For these reasons, this variant has been classified as Pathogenic.

Literature cited by the submitters: PubMed 18311786; PubMed 20738377.

NC_000006.12:g.(?_145625675)_(145635506_?)del

Gene: EPM2A (EPM2A glucan phosphatase, laforin; minus strand). Cytogenetic location: 6q24.3.
Variant type: Deletion.
Identifiers: ClinVar variation 830902 (VCV000830902.1).